The following is an entry in ClinVar:

NM_000051.4(ATM):c.7640G>A (p.Arg2547Lys)

Genes: ATM (ATM serine/threonine kinase; plus strand), C11orf65 (chromosome 11 open reading frame 65; minus strand). Cytogenetic location: 11q22.3.
Variant type: single nucleotide variant.
Coding change: c.7640G>A on transcript NM_000051.4 (MANE Select); coding-DNA position 7640, G replaced by A.
Protein change: p.Arg2547Lys; replaces arginine 2547 with lysine.
Molecular consequence: missense variant. On other transcripts: intron variant (2).
Genome position (GRCh38, 1-based): chr11:108,331,889, G>A. VCF-style: chr11-108331889-G-A. GRCh37 (hg19) VCF-style: chr11-108202616-G-A.
Other names: c.7640G>A, p.Arg2547Lys (NM_001351834.2); c.641-22818C>T (NM_001330368.2); c.*38+3331C>T (NM_001351110.2); short protein forms R2547K.
Identifiers: ClinVar variation 1759944 (VCV001759944.4), dbSNP rs2136515485, ClinGen allele CA382560905.
Genomic context (GRCh38, chr11:108,331,889, plus strand): 5'-ATTATATTTTTTTGTTTATTTGCATAAATCTAATAGTTCTTTTCTTACAGCTAATCTCTA[G>A]AATTTCAATGGATCACCCCCATCACACTTTGTTTATTATACTGGCCTTAGCAAATGCAAA-3'
Protein context (NP_000042.3, residues 2537-2557): FHEVLNNLIS[Arg2547Lys]ISMDHPHHTL

ClinVar aggregate classification (germline): Uncertain significance. Review status: criteria provided, multiple submitters, no conflicts (2 of 4 stars). 2 submissions from 2 submitters: Uncertain significance (2). Last evaluated 2024-11-25.

Conditions:
Hereditary cancer-predisposing syndrome. Also called: Hereditary neoplastic syndrome; Neoplastic Syndromes, Hereditary; Tumor predisposition; Hereditary Cancer Syndrome. Identifiers: Orphanet 140162, MedGen C0027672, MeSH D009386, MONDO:0015356.

gnomAD v4.1: 1 of 1,613,274 alleles (0.000062%); highest among the groups gnomAD compares: South Asian, 0.0011%; no homozygotes.

Submissions (2):

Ambry Genetics
Classification: Uncertain significance for Hereditary cancer-predisposing syndrome. Last evaluated: 2024-11-25. Review status: criteria provided, single submitter. Criteria: Ambry Variant Classification Scheme 2023. Collection method: clinical testing. Allele origin: germline.
Comment: The p.R2547K variant (also known as c.7640G>A), located in coding exon 51 of the ATM gene, results from a G to A substitution at nucleotide position 7640. The arginine at codon 2547 is replaced by lysine, an amino acid with highly similar properties. This amino acid position is well conserved in available vertebrate species. In addition, this alteration is predicted to be tolerated by in silico analysis. Based on the available evidence, the clinical significance of this variant remains unclear.

GeneDx
Classification: Uncertain significance. Last evaluated: 2024-09-01. Review status: criteria provided, single submitter. Criteria: GeneDx Variant Classification Process June 2021. Collection method: clinical testing. Allele origin: germline. Affected: yes.
Comment: Not observed at significant frequency in large population cohorts (gnomAD); In silico analysis indicates that this missense variant does not alter protein structure/function; Has not been previously published as pathogenic or benign to our knowledge; This variant is associated with the following publications: (PMID: 23532176)